The following is an entry in ClinVar:

NM_000051.4(ATM):c.3007C>T (p.Gln1003Ter)

Gene: ATM (ATM serine/threonine kinase; plus strand). Cytogenetic location: 11q22.3.
Variant type: single nucleotide variant.
Coding change: c.3007C>T on transcript NM_000051.4 (MANE Select); coding-DNA position 3007, C replaced by T.
Protein change: p.Gln1003Ter; replaces glutamine 1003 with a stop codon.
Molecular consequence: nonsense.
Genome position (GRCh38, 1-based): chr11:108,271,336, C>T. VCF-style: chr11-108271336-C-T. GRCh37 (hg19) VCF-style: chr11-108142063-C-T.
Other names: c.3007C>T, p.Gln1003Ter (NM_001351834.2); short protein forms Q1003*.
Identifiers: ClinVar variation 1076437 (VCV001076437.7), dbSNP rs1555085143, ClinGen allele CA382547422.

ClinVar aggregate classification (germline): Pathogenic (1 of 4 stars; one submission).

Conditions:
Ataxia-telangiectasia syndrome (AT). Also called: Cerebello-oculocutaneous telangiectasia; Immunodeficiency with ataxia telangiectasia; ATAXIA-TELANGIECTASIA, FRESNO VARIANT; Ataxia-telangiectasia, complementation group D; Ataxia telangiectasia (A-T); LOUIS-BAR SYNDROME. Identifiers: Orphanet 100, MedGen C0004135, MONDO:0008840, OMIM 208900.

Submission:

Labcorp Genetics (formerly Invitae), Labcorp
Classification: Pathogenic for Ataxia-telangiectasia syndrome. Last evaluated: 2025-05-27. Review status: criteria provided, single submitter. Criteria: Invitae Variant Classification Sherloc (09022015). Collection method: clinical testing. Allele origin: germline.
Comment: This sequence change creates a premature translational stop signal (p.Gln1003*) in the ATM gene. It is expected to result in an absent or disrupted protein product. Loss-of-function variants in ATM are known to be pathogenic (PMID: 23807571, 25614872). This variant is not present in population databases (gnomAD no frequency). This variant has not been reported in the literature in individuals affected with ATM-related conditions. ClinVar contains an entry for this variant (Variation ID: 1076437). For these reasons, this variant has been classified as Pathogenic.

Literature cited by the submitters: PubMed 23807571; PubMed 25614872.